The following is an entry in ClinVar:

NM_032892.5(FRMD5):c.329+1G>A

Gene: FRMD5 (FERM domain containing 5; minus strand). Cytogenetic location: 15q15.3.
Variant type: single nucleotide variant.
Coding change: c.329+1G>A on transcript NM_032892.5 (MANE Select); the canonical splice donor site of the intron after coding-DNA position 329, G replaced by A.
Molecular consequence: splice donor variant.
Genome position (GRCh38, 1-based): chr15:43,919,458, C>T on the plus strand (G>A on the coding strand, the complement: FRMD5 is on the minus strand). VCF-style: chr15-43919458-C-T. GRCh37 (hg19) VCF-style: chr15-44211656-C-T.
Other names: c.224+1G>A (NM_001322951.2); c.329+1G>A (NM_001322949.2, NM_001411124.1, NM_001322950.2); c.-693+1G>A (NM_001286491.2); c.62+1G>A (NM_001286490.2).
Identifiers: ClinVar variation 4083082 (VCV004083082.1).

ClinVar aggregate classification (germline): Uncertain significance (1 of 4 stars; one submission).

Submission:

GeneDx
Classification: Uncertain significance. Last evaluated: 2025-03-13. Review status: criteria provided, single submitter. Criteria: GeneDx Variant Classification Process June 2021. Collection method: clinical testing. Allele origin: germline. Affected: yes.
Comment: Canonical splice site variant in a gene or region of a gene for which loss of function is not a well-established mechanism of disease; Not observed at significant frequency in large population cohorts (gnomAD); Has not been previously published as pathogenic or benign to our knowledge